The following is an entry in ClinVar:

NM_001161352.2(KCNMA1):c.574C>A (p.Leu192Ile)

Gene: KCNMA1 (potassium calcium-activated channel subfamily M alpha 1; minus strand). Cytogenetic location: 10q22.3.
Variant type: single nucleotide variant.
Coding change: c.574C>A on transcript NM_001161352.2 (MANE Select); coding-DNA position 574, C replaced by A.
Protein change: p.Leu192Ile; replaces leucine 192 with isoleucine.
Molecular consequence: missense variant. On other transcripts: 5 prime UTR variant (1).
Genome position (GRCh38, 1-based): chr10:77,251,223, G>T on the plus strand (C>A on the coding strand, the complement: KCNMA1 is on the minus strand). VCF-style: chr10-77251223-G-T. GRCh37 (hg19) VCF-style: chr10-79010981-G-T.
Other names: c.574C>A, p.Leu192Ile (NM_001014797.3, NM_001161353.2, NM_001271519.2 and 7 more transcripts); c.412C>A, p.Leu138Ile (NM_001271518.2); c.-43C>A (NM_001322838.2); short protein forms L138I, L192I.
Identifiers: ClinVar variation 1479179 (VCV001479179.8), dbSNP rs2154251764, ClinGen allele CA377410831.

ClinVar aggregate classification (germline): Likely pathogenic (1 of 4 stars; one submission).

Conditions:
Generalized epilepsy-paroxysmal dyskinesia syndrome (PNKD3). Also called: Generalized epilepsy and paroxysmal dyskinesia; Paroxysmal nonkinesigenic dyskinesia, 3, with or without generalized epilepsy. Identifiers: Orphanet 79137, MedGen C5574945, MONDO:0012276, OMIM 609446.

Submission:

Labcorp Genetics (formerly Invitae), Labcorp
Classification: Likely pathogenic for Generalized epilepsy-paroxysmal dyskinesia syndrome. Last evaluated: 2021-08-16. Review status: criteria provided, single submitter. Criteria: Invitae Variant Classification Sherloc (09022015). Collection method: clinical testing. Allele origin: germline.
Comment: This variant is not present in population databases (ExAC no frequency). This sequence change replaces leucine with isoleucine at codon 192 of the KCNMA1 protein (p.Leu192Ile). The leucine residue is highly conserved and there is a small physicochemical difference between leucine and isoleucine. This variant has been observed in individual(s) with KCNMA1-related conditions (Invitae). In at least one individual the variant was observed to be de novo. Algorithms developed to predict the effect of missense changes on protein structure and function are either unavailable or do not agree on the potential impact of this missense change (SIFT: "Deleterious"; PolyPhen-2: "Possibly Damaging"; Align-GVGD: "Class C0"). In summary, the currently available evidence indicates that the variant is pathogenic, but additional data are needed to prove that conclusively. Therefore, this variant has been classified as Likely Pathogenic.